The following is an entry in ClinVar:

NM_002739.5(PRKCG):c.860A>G (p.Asn287Ser)

Gene: PRKCG (protein kinase C gamma; plus strand). Cytogenetic location: 19q13.42.
Variant type: single nucleotide variant.
Coding change: c.860A>G on transcript NM_002739.5 (MANE Select); coding-DNA position 860, A replaced by G.
Protein change: p.Asn287Ser; replaces asparagine 287 with serine.
Molecular consequence: missense variant.
Genome position (GRCh38, 1-based): chr19:53,893,026, A>G. VCF-style: chr19-53893026-A-G. GRCh37 (hg19) VCF-style: chr19-54396280-A-G.
Other names: c.860A>G, p.Asn287Ser (NM_001316329.2); short protein forms N287S.
Identifiers: ClinVar variation 4848328 (VCV004848328.1).

ClinVar aggregate classification (germline): Uncertain significance (1 of 4 stars; one submission).

gnomAD v4.1: 7 of 1,613,846 alleles (0.00043%); highest among the groups gnomAD compares: Admixed American, 0.0033%; no homozygotes.

Submission:

Women's Health and Genetics/Laboratory Corporation of America, LabCorp
Classification: Uncertain significance. Last evaluated: 2026-02-16. Review status: criteria provided, single submitter. Criteria: LabCorp Variant Classification Summary - May 2015. Collection method: clinical testing. Allele origin: germline.
Comment: Variant summary: PRKCG c.860A>G (p.Asn287Ser) results in a conservative amino acid change in the encoded protein sequence. Algorithms developed to predict the effect of missense changes on protein structure and function are either unavailable or do not agree on the potential impact of this missense change. The variant allele was found at a frequency of 1.2e-05 in 251412 control chromosomes. The available data on variant occurrences in the general population are insufficient to allow any conclusion about variant significance. To our knowledge, no occurrence of c.860A>G in individuals affected with PRKCG-related conditions and no experimental evidence demonstrating its impact on protein function have been reported. No submitters have cited clinical-significance assessments for this variant to ClinVar. Based on the evidence outlined above, the variant was classified as uncertain significance.